The following is an entry in ClinVar:

ClinVar aggregate classification (germline): Uncertain significance (1 of 4 stars; one submission).

gnomAD v4.1: 2 of 1,612,812 alleles (0.00012%); highest among the groups gnomAD compares: Middle Eastern, 0.017%; no homozygotes.

Submission:

Labcorp Genetics (formerly Invitae), Labcorp
Classification: Uncertain significance. Last evaluated: 2022-04-08. Review status: criteria provided, single submitter. Criteria: Invitae Variant Classification Sherloc (09022015). Collection method: clinical testing. Allele origin: germline.
Comment: This sequence change replaces isoleucine, which is neutral and non-polar, with methionine, which is neutral and non-polar, at codon 3328 of the FAT1 protein (p.Ile3328Met). This variant is not present in population databases (gnomAD no frequency). This variant has not been reported in the literature in individuals affected with FAT1-related conditions. Algorithms developed to predict the effect of missense changes on protein structure and function are either unavailable or do not agree on the potential impact of this missense change (SIFT: "Deleterious"; PolyPhen-2: "Benign"; Align-GVGD: "Class C0"). In summary, the available evidence is currently insufficient to determine the role of this variant in disease. Therefore, it has been classified as a Variant of Uncertain Significance.

NM_005245.4(FAT1):c.9984C>G (p.Ile3328Met)

Gene: FAT1 (FAT atypical cadherin 1; minus strand). Cytogenetic location: 4q35.2.
Variant type: single nucleotide variant.
Coding change: c.9984C>G on transcript NM_005245.4 (MANE Select); coding-DNA position 9984, C replaced by G.
Protein change: p.Ile3328Met; replaces isoleucine 3328 with methionine.
Molecular consequence: missense variant.
Genome position (GRCh38, 1-based): chr4:186,609,885, G>C on the plus strand (C>G on the coding strand, the complement: FAT1 is on the minus strand). VCF-style: chr4-186609885-G-C. GRCh37 (hg19) VCF-style: chr4-187531039-G-C.
Other names: short protein forms I3328M.
Identifiers: ClinVar variation 2100450 (VCV002100450.4), dbSNP rs1222586263, ClinGen allele CA358954450.